The following is an entry in ClinVar:

NM_000051.4(ATM):c.7032G>A (p.Trp2344Ter)

Genes: ATM (ATM serine/threonine kinase; plus strand), C11orf65 (chromosome 11 open reading frame 65; minus strand). Cytogenetic location: 11q22.3.
Variant type: single nucleotide variant.
Coding change: c.7032G>A on transcript NM_000051.4 (MANE Select); coding-DNA position 7032, G replaced by A.
Protein change: p.Trp2344Ter; replaces tryptophan 2344 with a stop codon.
Molecular consequence: nonsense. On other transcripts: intron variant (2).
Genome position (GRCh38, 1-based): chr11:108,327,701, G>A. VCF-style: chr11-108327701-G-A. GRCh37 (hg19) VCF-style: chr11-108198428-G-A.
Other names: c.7032G>A, p.Trp2344Ter (NM_001351834.2); c.641-18630C>T (NM_001330368.2); c.*38+7519C>T (NM_001351110.2); short protein forms W2344*.
Identifiers: ClinVar variation 429080 (VCV000429080.22), dbSNP rs1131691162, ClinGen allele CA382558847.

ClinVar aggregate classification (germline): Pathogenic/Likely pathogenic. Review status: criteria provided, multiple submitters, no conflicts (2 of 4 stars). 10 submissions from 10 submitters: Pathogenic (8); Likely pathogenic (2). Last evaluated 2025-10-14.

Conditions:
Hereditary cancer-predisposing syndrome. Also called: Neoplastic Syndromes, Hereditary; Hereditary Cancer Syndrome; Tumor predisposition; Hereditary neoplastic syndrome. Identifiers: Orphanet 140162, MedGen C0027672, MeSH D009386, MONDO:0015356.
Familial cancer of breast. Also called: Hereditary breast cancer; BREAST CANCER, FAMILIAL; hereditary breast carcinoma. Identifiers: Orphanet 227535, MedGen C0346153, MONDO:0016419, OMIM 114480. Disease mechanism: loss of function.
Ataxia-telangiectasia syndrome (AT). Also called: LOUIS-BAR SYNDROME; Cerebello-oculocutaneous telangiectasia; Immunodeficiency with ataxia telangiectasia; Ataxia-telangiectasia, complementation group D; AT, COMPLEMENTATION GROUP C; Ataxia-telangiectasia, complementation group E. Identifiers: Orphanet 100, MedGen C0004135, MONDO:0008840, OMIM 208900.

Allele frequency attached by ClinVar (database versions not stated): gnomAD exomes 0.00001 and below 0.00001; TOPMed 0.00003.
gnomAD v4.1: 6 of 1,614,010 alleles (0.00037%); highest among the groups gnomAD compares: Admixed American, 0.005%; no homozygotes.

Submissions (10):

Labcorp Genetics (formerly Invitae), Labcorp
Classification: Pathogenic for Ataxia-telangiectasia syndrome. Last evaluated: 2025-10-14. Review status: criteria provided, single submitter. Criteria: Invitae Variant Classification Sherloc (09022015). Collection method: clinical testing. Allele origin: germline.
Comment: This sequence change creates a premature translational stop signal (p.Trp2344*) in the ATM gene. It is expected to result in an absent or disrupted protein product. Loss-of-function variants in ATM are known to be pathogenic (PMID: 23807571, 25614872). This variant is present in population databases (no rsID available, gnomAD 0.009%). This premature translational stop signal has been observed in individual(s) with ATM-related disease (internal data). ClinVar contains an entry for this variant (Variation ID: 429080). For these reasons, this variant has been classified as Pathogenic.

Ambry Genetics
Classification: Pathogenic for Hereditary cancer-predisposing syndrome. Last evaluated: 2025-09-02. Review status: criteria provided, single submitter. Criteria: Ambry Variant Classification Scheme 2023. Collection method: clinical testing. Allele origin: germline.
Comment: The p.W2344* pathogenic mutation (also known as c.7032G>A), located in coding exon 47 of the ATM gene, results from a G to A substitution at nucleotide position 7032. This changes the amino acid from a tryptophan to a stop codon within coding exon 47. This alteration is expected to result in loss of function by premature protein truncation or nonsense-mediated mRNA decay. As such, this alteration is interpreted as a disease-causing mutation.

GeneDx
Classification: Pathogenic. Last evaluated: 2025-04-02. Review status: criteria provided, single submitter. Criteria: GeneDx Variant Classification Process June 2021. Collection method: clinical testing. Allele origin: germline. Affected: yes.
Comment: Nonsense variant predicted to result in protein truncation or nonsense mediated decay in a gene for which loss of function is a known mechanism of disease; Not observed at significant frequency in large population cohorts (gnomAD); Truncating variants in this gene are considered pathogenic by a well-established clinical consortium and/or database; Observed in a cohort of individuals with ovarian cancer (PMID: 28888541); This variant is associated with the following publications: (PMID: 31050087, 28888541, 29922827, 28830922)

Quest Diagnostics Nichols Institute San Juan Capistrano
Classification: Pathogenic. Last evaluated: 2024-10-29. Review status: criteria provided, single submitter. Criteria: Quest Diagnostics criteria. Collection method: clinical testing. Allele origin: unknown.
Comment: The ATM c.7032G>A (p.Trp2344*) variant causes the premature termination of ATM protein synthesis. This variant has been reported in the published literature in an individual with ovarian cancer (PMID: 28888541 (2017)). This variant has been identified as homozygous in at least one individual with ataxia-telangiectasia (Invitae, personal communication regarding ClinVar ID: 429080). The frequency of this variant in the general population, 0.000087 (3/34584 chromosomes (Genome Aggregation Database)), is consistent with pathogenicity. Based on the available information, this variant is classified as pathogenic.

3billion
Classification: Pathogenic for Ataxia-telangiectasia syndrome. Last evaluated: 2024-06-28. Review status: criteria provided, single submitter. Criteria: ACMG Guidelines, 2015. Collection method: clinical testing. Allele origin: germline. Affected: yes.
Comment: The variant is observed at an extremely low frequency in the gnomAD v4.0.0 dataset (total allele frequency: <0.001%). Predicted Consequence/Location: Stop-gained (nonsense): predicted to result in a loss or disruption of normal protein function through nonsense-mediated decay (NMD) or protein truncation. Multiple pathogenic variants are reported downstream of the variant. The variant has been reported at least twice as pathogenic with clinical assertions and evidence for the classification (ClinVar ID: VCV000429080 /PMID: 28888541). Therefore, this variant is classified as Pathogenic according to the recommendation of ACMG/AMP guideline.

Myriad Genetics, Inc.
Classification: Pathogenic for Familial cancer of breast. Last evaluated: 2024-01-30. Review status: criteria provided, single submitter. Criteria: Myriad Autosomal Dominant, Autosomal Recessive and X-Linked Classification Criteria (2023). Collection method: clinical testing. Allele origin: unknown.
Comment: This variant is considered pathogenic. This variant creates a termination codon and is predicted to result in premature protein truncation.

Baylor Genetics
Classification: Pathogenic for Familial cancer of breast. Last evaluated: 2023-12-12. Review status: criteria provided, single submitter. Criteria: ACMG Guidelines, 2015. Collection method: clinical testing. Allele origin: unknown.

Color Diagnostics, LLC DBA Color Health
Classification: Pathogenic for Hereditary cancer-predisposing syndrome. Last evaluated: 2021-08-30. Review status: criteria provided, single submitter. Criteria: ACMG Guidelines, 2015. Collection method: clinical testing. Allele origin: germline.
Comment: This variant changes 1 nucleotide in exon 48 of the ATM gene, creating a premature translation stop signal. This variant is expected to result in an absent or non-functional protein product. To our knowledge, this variant has not been reported in individuals affected with hereditary cancer in the literature. This variant has been identified in 3/251086 chromosomes in the general population by the Genome Aggregation Database (gnomAD). Loss of ATM function is a known mechanism of disease. Based on the available evidence, this variant is classified as Pathogenic.

Fulgent Genetics
Classification: Likely pathogenic for Familial cancer of breast; Ataxia-telangiectasia syndrome. Last evaluated: 2021-07-13. Review status: criteria provided, single submitter. Criteria: ACMG Guidelines, 2015. Collection method: clinical testing. Allele origin: unknown.

Sema4
Classification: Likely pathogenic for Hereditary cancer-predisposing syndrome. Last evaluated: 2021-04-29. Review status: criteria provided, single submitter. Criteria: Sema4 Curation Guidelines. Collection method: curation. Allele origin: germline.
Comment: To the best of our knowledge, the ATM c.7032G>A (p.W2344*) variant has not been reported in individuals with ATM-related disease. This nonsense variant creates a premature stop codon at residue 2344 of the protein. Loss of function variants in ATM are known to be pathogenic (PMID: 31050087). This variant was observed in 3/34584 chromosomes in the Latino population according to the Genome Aggregation Database (PMID: 32461654). This variant has been reported in ClinVar (Variation ID: 429080). Based on the current evidence available, this variant is interpreted as likely pathogenic.

Literature cited by the submitters: PubMed 23807571 (cited by Labcorp Genetics (formerly Invitae), Labcorp); PubMed 25614872 (cited by Labcorp Genetics (formerly Invitae), Labcorp); PubMed 28888541 (cited by Quest Diagnostics Nichols Institute San Juan Capistrano and 3billion); PubMed 33916788 (cited by Quest Diagnostics Nichols Institute San Juan Capistrano); PubMed 29922827 (cited by Quest Diagnostics Nichols Institute San Juan Capistrano); PubMed 36781323 (cited by Quest Diagnostics Nichols Institute San Juan Capistrano); PubMed 31050087 (cited by Sema4).